The following is an entry in ClinVar:

NM_001130987.2(DYSF):c.3403-112T>C

Gene: DYSF (dysferlin; plus strand). Cytogenetic location: 2p13.2.
Variant type: single nucleotide variant.
Coding change: c.3403-112T>C on transcript NM_001130987.2 (MANE Select); 112 bases into the intron before coding-DNA position 3403, T replaced by C.
Molecular consequence: intron variant.
Genome position (GRCh38, 1-based): chr2:71,589,481, T>C. VCF-style: chr2-71589481-T-C. GRCh37 (hg19) VCF-style: chr2-71816611-T-C.
Other names: c.3442-112T>C (NM_001130979.2); c.3400-112T>C (NM_001130981.2, NM_001130980.2); c.3349-112T>C (NM_001130978.2, NM_003494.4); c.3307-112T>C (NM_001130977.2, NM_001130976.2); c.3445-112T>C (NM_001130982.2); c.3403-112T>C (NM_001130985.2); c.3352-112T>C (NM_001130983.2, NM_001130455.2); c.3310-112T>C (NM_001130984.2, NM_001130986.2).
Identifiers: ClinVar variation 672456 (VCV000672456.1), dbSNP rs72827583, ClinGen allele CA11017551.

ClinVar aggregate classification (germline): Benign (1 of 4 stars; one submission).

Allele frequency attached by ClinVar (database versions not stated): gnomAD exomes 0.02055; 1000 Genomes Project 0.02396; 1000 Genomes Project 30x 0.02405; TOPMed 0.03027; gnomAD 0.03103 and 0.03260.
gnomAD v4.1: 19,123 of 853,456 alleles (2.2%); highest among the groups gnomAD compares: African/African-American, 5.7%; 347 homozygotes.

Submission:

GeneDx
Classification: Benign. Last evaluated: 2018-06-19. Review status: criteria provided, single submitter. Criteria: GeneDx Variant Classification (06012015). Collection method: clinical testing. Allele origin: germline. Affected: yes.
Comment: This variant is considered likely benign or benign based on one or more of the following criteria: it is a conservative change, it occurs at a poorly conserved position in the protein, it is predicted to be benign by multiple in silico algorithms, and/or has population frequency not consistent with disease.